The following is an entry in ClinVar:

NM_001365536.1(SCN9A):c.12G>T (p.Leu4Phe)

Gene: SCN9A (sodium voltage-gated channel alpha subunit 9; minus strand). Cytogenetic location: 2q24.3.
Variant type: single nucleotide variant.
Coding change: c.12G>T on transcript NM_001365536.1 (MANE Select); coding-DNA position 12, G replaced by T.
Protein change: p.Leu4Phe; replaces leucine 4 with phenylalanine.
Molecular consequence: missense variant.
Genome position (GRCh38, 1-based): chr2:166,311,745, C>A on the plus strand (G>T on the coding strand, the complement: SCN9A is on the minus strand). VCF-style: chr2-166311745-C-A. GRCh37 (hg19) VCF-style: chr2-167168255-C-A.
Other names: c.12G>T, p.Leu4Phe (NM_002977.4); short protein forms L4F.
Identifiers: ClinVar variation 3753682 (VCV003753682.2).

ClinVar aggregate classification (germline): Uncertain significance (1 of 4 stars; one submission).

Conditions:
Neuropathy, hereditary sensory and autonomic, type 2A (HSAN2A). Also called: ACROOSTEOLYSIS, GIACCAI TYPE; ACROOSTEOLYSIS, NEUROGENIC; WNK1-Related HSAN2 (HSAN2A); MORVAN DISEASE; NEUROPATHY, CONGENITAL SENSORY; NEUROPATHY, HEREDITARY SENSORY RADICULAR, AUTOSOMAL RECESSIVE. Identifiers: Orphanet 970, MedGen C2752089, MONDO:0024309, OMIM 201300.
Generalized epilepsy with febrile seizures plus, type 7 (GEFSP7). Also called: GEFS+, TYPE 7. Identifiers: Orphanet 36387, MedGen C2751778, MONDO:0013470, OMIM 613863.

gnomAD v4.1: 1 of 1,601,140 alleles (0.000062%); no homozygotes.

Submission:

Labcorp Genetics (formerly Invitae), Labcorp
Classification: Uncertain significance for Neuropathy, hereditary sensory and autonomic, type 2A; Generalized epilepsy with febrile seizures plus, type 7. Last evaluated: 2024-09-27. Review status: criteria provided, single submitter. Criteria: Invitae Variant Classification Sherloc (09022015). Collection method: clinical testing. Allele origin: germline.
Comment: This sequence change replaces leucine, which is neutral and non-polar, with phenylalanine, which is neutral and non-polar, at codon 4 of the SCN9A protein (p.Leu4Phe). This variant is not present in population databases (gnomAD no frequency). This variant has not been reported in the literature in individuals affected with SCN9A-related conditions. Invitae Evidence Modeling of protein sequence and biophysical properties (such as structural, functional, and spatial information, amino acid conservation, physicochemical variation, residue mobility, and thermodynamic stability) has been performed for this missense variant. However, the output from this modeling did not meet the statistical confidence thresholds required to predict the impact of this variant on SCN9A protein function. In summary, the available evidence is currently insufficient to determine the role of this variant in disease. Therefore, it has been classified as a Variant of Uncertain Significance.